The following is an entry in ClinVar:

ClinVar aggregate classification (germline): Pathogenic/Likely pathogenic. Review status: criteria provided, multiple submitters, no conflicts (2 of 4 stars). 3 submissions from 3 submitters: Pathogenic (1); Likely pathogenic (1). 1 of the submissions does not count toward it. Last evaluated 2021-12-02.

Conditions:
Charcot-Marie-Tooth disease axonal type 2S. Also called: CHARCOT-MARIE-TOOTH NEUROPATHY, TYPE 2S; CHARCOT-MARIE-TOOTH DISEASE, AXONAL, AUTOSOMAL RECESSIVE, TYPE 2S. Identifiers: Orphanet 443073, MedGen C4015349, MONDO:0014511, OMIM 616155.
Autosomal recessive distal spinal muscular atrophy 1. Also called: NEURONOPATHY, SEVERE INFANTILE AXONAL, WITH RESPIRATORY FAILURE; NEURONOPATHY, DISTAL HEREDITARY MOTOR, HARDING TYPE VI; NEUROPATHY, DISTAL HEREDITARY MOTOR, AUTOSOMAL RECESSIVE 1; SEVERE INFANTILE AXONAL NEUROPATHY WITH RESPIRATORY FAILURE; SPINAL MUSCULAR ATROPHY, DIAPHRAGMATIC; Spinal muscular atrophy with respiratory distress 1. Identifiers: Orphanet 98920, MedGen C1858517, MONDO:0011436, OMIM 604320.

Submissions (3):

MGZ Medical Genetics Center
Classification: Likely pathogenic for Charcot-Marie-Tooth disease axonal type 2S. Last evaluated: 2021-12-02. Review status: criteria provided, single submitter. Criteria: ACMG Guidelines, 2015. Collection method: clinical testing. Allele origin: germline. Affected: yes. Observed: 1 variant allele.
Comment: ACMG criteria applied: PVS1, PM2_SUP

CeGaT Center for Human Genetics Tuebingen
Classification: Pathogenic. Last evaluated: 2020-03-01. Review status: criteria provided, single submitter. Criteria: CeGaT Center For Human Genetics Tuebingen Variant Classification Criteria Version 2. Collection method: clinical testing. Allele origin: germline. Affected: yes. Observed: 1 variant allele.

OMIM
Classification: Pathogenic for NEURONOPATHY, DISTAL HEREDITARY MOTOR, AUTOSOMAL RECESSIVE 1. Last evaluated: 2001-09-01. Review status: no assertion criteria provided. Collection method: literature only. Allele origin: germline. Not counted in ClinVar's aggregate classification.

Literature cited by the submitters: PubMed 11528396 (cited by OMIM).

NM_002180.3(IGHMBP2):c.675del (p.Glu226fs)

Gene: IGHMBP2 (immunoglobulin mu DNA binding protein 2; plus strand). Cytogenetic location: 11q13.3.
Variant type: Deletion.
Coding change: c.675del on transcript NM_002180.3 (MANE Select); coding-DNA position 675, one base deleted (T; older notation c.675delT).
Protein change: p.Glu226fs; shifts the reading frame from glutamic acid 226.
Molecular consequence: frameshift variant.
Genome position (GRCh38, 1-based): chr11:68,911,567, T deleted; the last of 2 consecutive T bases (chr11:68,911,566-68,911,567); deleting either gives the same sequence. VCF-style (leftmost placement, unchanged base first): chr11-68911565-GT-G. GRCh37 (hg19) VCF-style: chr11-68679033-GT-G.
Other names: short protein forms E226fs.
Identifiers: ClinVar variation 9116 (VCV000009116.45), dbSNP rs786205089, ClinGen allele CA254651.